The following is an entry in ClinVar:

ClinVar aggregate classification (germline): Uncertain significance (1 of 4 stars; one submission).

Allele frequency attached by ClinVar (database versions not stated): gnomAD exomes below 0.00001.
gnomAD v4.1: 4 of 1,613,902 alleles (0.00025%); highest among the groups gnomAD compares: Non-Finnish European, 0.00034%; no homozygotes.

Submission:

Labcorp Genetics (formerly Invitae), Labcorp
Classification: Uncertain significance. Last evaluated: 2023-05-15. Review status: criteria provided, single submitter. Criteria: Invitae Variant Classification Sherloc (09022015). Collection method: clinical testing. Allele origin: germline.
Comment: This sequence change replaces serine, which is neutral and polar, with cysteine, which is neutral and slightly polar, at codon 217 of the SLC25A12 protein (p.Ser217Cys). In summary, the available evidence is currently insufficient to determine the role of this variant in disease. Therefore, it has been classified as a Variant of Uncertain Significance. Advanced modeling of protein sequence and biophysical properties (such as structural, functional, and spatial information, amino acid conservation, physicochemical variation, residue mobility, and thermodynamic stability) performed at Invitae indicates that this missense variant is not expected to disrupt SLC25A12 protein function. ClinVar contains an entry for this variant (Variation ID: 1389250). This variant has not been reported in the literature in individuals affected with SLC25A12-related conditions. This variant is not present in population databases (gnomAD no frequency).

NM_003705.5(SLC25A12):c.650C>G (p.Ser217Cys)

Gene: SLC25A12 (solute carrier family 25 member 12; minus strand). Cytogenetic location: 2q31.1.
Variant type: single nucleotide variant.
Coding change: c.650C>G on transcript NM_003705.5 (MANE Select); coding-DNA position 650, C replaced by G.
Protein change: p.Ser217Cys; replaces serine 217 with cysteine.
Molecular consequence: missense variant. On other transcripts: non-coding transcript variant (1).
Genome position (GRCh38, 1-based): chr2:171,834,828, G>C on the plus strand (C>G on the coding strand, the complement: SLC25A12 is on the minus strand). VCF-style: chr2-171834828-G-C. GRCh37 (hg19) VCF-style: chr2-172691338-G-C.
Other names: short protein forms S217C.
Identifiers: ClinVar variation 1389250 (VCV001389250.6), dbSNP rs2105886696, ClinGen allele CA349621415.
Genomic context (GRCh38, chr2:171,834,828, plus strand): 5'-CTATATATCTTACGAACAAGCTCCATGTTATTCAGTAACGAGTTAAATGCATTGAAGTAG[G>C]AGAAGCTAACCTGGTGTGAGATACTTCCTCCAGCTGCCTAGAAAATGACAACACAAAAAG-3'
Protein context (NP_003696.2, residues 207-227): GGSISHQVSF[Ser217Cys]YFNAFNSLLN